The following is an entry in ClinVar:

ClinVar aggregate classification (germline): Uncertain significance (1 of 4 stars; one submission).

Conditions:
Rhabdoid tumor predisposition syndrome 2 (RTPS2). Identifiers: Orphanet 231108, Orphanet 69077, MedGen C2750074, MONDO:0013224, OMIM 613325.

Submission:

Labcorp Genetics (formerly Invitae), Labcorp
Classification: Uncertain significance for Rhabdoid tumor predisposition syndrome 2. Last evaluated: 2023-05-30. Review status: criteria provided, single submitter. Criteria: Invitae Variant Classification Sherloc (09022015). Collection method: clinical testing. Allele origin: germline.
Comment: This variant, c.54_71del, results in the deletion of 6 amino acid(s) of the SMARCA4 protein (p.Pro20_Gly25del), but otherwise preserves the integrity of the reading frame. This variant is not present in population databases (gnomAD no frequency). This variant has not been reported in the literature in individuals affected with SMARCA4-related conditions. Experimental studies and prediction algorithms are not available or were not evaluated, and the functional significance of this variant is currently unknown. In summary, the available evidence is currently insufficient to determine the role of this variant in disease. Therefore, it has been classified as a Variant of Uncertain Significance.

NM_003072.5(SMARCA4):c.54_71del (p.14PGPSPG[1])

Gene: SMARCA4 (SWI/SNF related BAF chromatin remodeling complex subunit ATPase 4; plus strand). Cytogenetic location: 19p13.2.
Variant type: Deletion.
Coding change: c.54_71del on transcript NM_003072.5 (MANE Select); coding-DNA positions 54 to 71, 18 bases deleted (GGGCCCTGGCCCTTCCCC).
Protein change: p.14PGPSPG[1].
Molecular consequence: inframe deletion. On other transcripts: non-coding transcript variant (1).
Genome position (GRCh38, 1-based): chr19:10,984,205-10,984,222, GGGCCCTGGCCCTTCCCC deleted; deleting any 18 consecutive bases within chr19:10,984,197-10,984,222 gives the same sequence; the c. name uses the placement nearest the transcript's 3' end. VCF-style (leftmost placement, unchanged base first): chr19-10984196-TCCTTCCCCGGGCCCTGGC-T. GRCh37 (hg19) VCF-style: chr19-11094872-TCCTTCCCCGGGCCCTGGC-T.
Other names: c.54_71del, p.14PGPSPG[1] (NM_001128844.3, NM_001128845.2, NM_001128846.2 and 6 more transcripts).
Identifiers: ClinVar variation 2776249 (VCV002776249.3), dbSNP rs2085806168, ClinGen allele CA2322706571.